The following is an entry in ClinVar:

ClinVar aggregate classification (germline): Uncertain significance. Review status: criteria provided, multiple submitters, no conflicts (2 of 4 stars). 2 submissions from 2 submitters: Uncertain significance (2). Last evaluated 2025-08-28.

Conditions:
Charcot-Marie-Tooth disease, type I (CMT1). Also called: Charcot-Marie-Tooth, Type 1; Charcot-Marie-Tooth disease type 1. Identifiers: Orphanet 65753, MedGen C0751036, MONDO:0019011.
Inborn genetic diseases. Identifiers: MedGen C0950123, MeSH D030342.

Allele frequency attached by ClinVar (database versions not stated): gnomAD exomes below 0.00001 and 0.00001; TOPMed 0.00001.

Submissions (2):

Ambry Genetics
Classification: Uncertain significance for Inborn genetic diseases. Last evaluated: 2025-08-28. Review status: criteria provided, single submitter. Criteria: Ambry Variant Classification Scheme 2023. Collection method: clinical testing. Allele origin: germline.

Labcorp Genetics (formerly Invitae), Labcorp
Classification: Uncertain significance for Charcot-Marie-Tooth disease, type I. Last evaluated: 2021-09-14. Review status: criteria provided, single submitter. Criteria: Invitae Variant Classification Sherloc (09022015). Collection method: clinical testing. Allele origin: germline.
Comment: Algorithms developed to predict the effect of missense changes on protein structure and function (SIFT, PolyPhen-2, Align-GVGD) all suggest that this variant is likely to be tolerated. This variant has not been reported in the literature in individuals affected with EGR2-related conditions. This variant is not present in population databases (ExAC no frequency). This sequence change replaces threonine with asparagine at codon 137 of the EGR2 protein (p.Thr137Asn). The threonine residue is weakly conserved and there is a small physicochemical difference between threonine and asparagine. In summary, the available evidence is currently insufficient to determine the role of this variant in disease. Therefore, it has been classified as a Variant of Uncertain Significance.

NM_000399.5(EGR2):c.410C>A (p.Thr137Asn)

Gene: EGR2 (early growth response 2; minus strand). Cytogenetic location: 10q21.3.
Variant type: single nucleotide variant.
Coding change: c.410C>A on transcript NM_000399.5 (MANE Select); coding-DNA position 410, C replaced by A.
Protein change: p.Thr137Asn; replaces threonine 137 with asparagine.
Molecular consequence: missense variant.
Genome position (GRCh38, 1-based): chr10:62,814,228, G>T on the plus strand (C>A on the coding strand, the complement: EGR2 is on the minus strand). VCF-style: chr10-62814228-G-T. GRCh37 (hg19) VCF-style: chr10-64573988-G-T.
Other names: c.410C>A, p.Thr137Asn (NM_001136177.3, NM_001136178.2); c.260C>A, p.Thr87Asn (NM_001136179.3, NM_001321037.2); c.410C>A (NM_000399.3); short protein forms T137N, T87N.
Identifiers: ClinVar variation 1525024 (VCV001525024.7), dbSNP rs1017236982, ClinGen allele CA208352066.